The following is an entry in ClinVar:

ClinVar aggregate classification (germline): Conflicting classifications of pathogenicity. Review status: criteria provided, conflicting classifications (1 of 4 stars). 10 submissions from 10 submitters: Uncertain significance (7); Likely benign (1). 2 of the submissions do not count toward it. Last evaluated 2026-06-08.

Conditions:
MVK-related disorder. Also called: MVK-related condition; MVK-related disorders. Identifiers: MedGen CN239294.
Inborn genetic diseases. Identifiers: MedGen C0950123, MeSH D030342.
Retinal dystrophy. Also called: Inherited retinal dystrophy. Identifiers: Orphanet 71862, MedGen C0854723, MeSH D058499, MONDO:0019118, HP:0000556.
Mevalonic aciduria (MEVA). Identifiers: Orphanet 29, MedGen C1959626, MONDO:0012481, OMIM 610377.
Porokeratosis 3, disseminated superficial actinic type (POROK3). Also called: POROKERATOSIS 3, MULTIPLE TYPES; POROKERATOSIS 3, MIBELLI TYPE; POROKERATOSIS, DISSEMINATED SUPERFICIAL ACTINIC, 1. Identifiers: MedGen C1867981, MONDO:0008293, OMIM 175900.
Hyperimmunoglobulin D with periodic fever (HIDS). Also called: Hyperimmunoglobulinemia D with periodic fever; HYPERIMMUNOGLOBULINEMIA D AND PERIODIC FEVER SYNDROME; Hyperimmunoglobulinemia D. Identifiers: Orphanet 343, MedGen C0398691, MONDO:0009849, OMIM 260920.

Allele frequency attached by ClinVar (database versions not stated): gnomAD 0.00005 and 0.00006; gnomAD exomes 0.00010 and 0.00011; TOPMed 0.00010; ExAC 0.00011; ESP Exome Variant Server 0.00015; 1000 Genomes Project 30x 0.00016; 1000 Genomes Project 0.00020.
gnomAD v4.1: 164 of 1,613,580 alleles (0.01%); highest among the groups gnomAD compares: Admixed American, 0.013%; no homozygotes.

Submissions (10):

PreventionGenetics, part of Exact Sciences
Classification: Uncertain significance for MVK-related condition. Last evaluated: 2026-06-08. Review status: criteria provided, single submitter. Criteria: ACMG Guidelines, 2015. Collection method: clinical testing. Allele origin: germline.
Comment: The MVK c.1067C>T variant is predicted to result in the amino acid substitution p.Thr356Met. This variant has been reported in multiple individuals with recurrent fever syndrome (D'Osualdo et al. 2005. PubMed ID: 15536479; Toplak et al. 2012. PubMed ID: 22377804; Table S2, Gerritsma et al. 2023. PubMed ID: 37470237). This variant is reported in 0.017% of alleles in individuals of European (Non-Finnish) descent in gnomAD. An alternate missense substitution affecting the same amino acid position (p.Thr356Arg) has also been reported in an individual with sporadic porokeratosis (Table S2, Zhang et al. 2015. PubMed ID: 26202976). At this time, the clinical significance of the c.1067C>T (p.Thr356Met) variant is uncertain due to the absence of conclusive functional and genetic evidence.

Labcorp Genetics (formerly Invitae), Labcorp
Classification: Likely benign for Mevalonic aciduria; Hyperimmunoglobulin D with periodic fever; Porokeratosis 3, disseminated superficial actinic type. Last evaluated: 2026-01-18. Review status: criteria provided, single submitter. Criteria: Invitae Variant Classification Sherloc (09022015). Collection method: clinical testing. Allele origin: germline.

Fulgent Genetics
Classification: Uncertain significance for Porokeratosis 3, disseminated superficial actinic type; Hyperimmunoglobulin D with periodic fever; Mevalonic aciduria. Last evaluated: 2023-12-21. Review status: criteria provided, single submitter. Criteria: ACMG Guidelines, 2015. Collection method: clinical testing. Allele origin: germline.

Institute of Human Genetics, Univ. Regensburg, Univ. Regensburg
Classification: Uncertain significance for Retinal dystrophy. Last evaluated: 2023-01-01. Review status: criteria provided, single submitter. Criteria: ACMG Guidelines, 2015. Collection method: clinical testing. Allele origin: germline. Affected: yes.

Mayo Clinic Laboratories, Mayo Clinic
Classification: Uncertain significance. Last evaluated: 2022-09-30. Review status: criteria provided, single submitter. Criteria: ACMG Guidelines, 2015. Collection method: clinical testing. Allele origin: germline. Observed: 1 variant allele.

Ambry Genetics
Classification: Uncertain significance for Inborn genetic diseases. Last evaluated: 2021-10-29. Review status: criteria provided, single submitter. Criteria: Ambry Variant Classification Scheme 2023. Collection method: clinical testing. Allele origin: germline.

CeGaT Center for Human Genetics Tuebingen
Classification: Uncertain significance. Last evaluated: 2021-10-01. Review status: criteria provided, single submitter. Criteria: CeGaT Center For Human Genetics Tuebingen Variant Classification Criteria Version 2. Collection method: clinical testing. Allele origin: germline. Affected: yes. Observed: 1 variant allele.

GeneDx
Classification: Uncertain significance. Last evaluated: 2019-05-29. Review status: criteria provided, single submitter. Criteria: GeneDx Variant Classification Process June 2021. Collection method: clinical testing. Allele origin: germline. Affected: yes.
Comment: In silico analysis, which includes protein predictors and evolutionary conservation, supports that this variant does not alter protein structure/function; This variant is associated with the following publications: (PMID: 16835861, 15536479)

Clinical Genetics DNA and cytogenetics Diagnostics Lab, Erasmus MC, Erasmus Medical Center
Classification: Uncertain significance. Review status: no assertion criteria provided. Collection method: clinical testing. Allele origin: germline. Affected: yes. Study: VKGL Data-share Consensus. Not counted in ClinVar's aggregate classification.

Unité médicale des maladies autoinflammatoires, CHRU Montpellier
No classification provided. Condition: Hyperimmunoglobulin D with periodic fever. Review status: no classification provided. Collection method: not provided. Allele origin: unknown. Not counted in ClinVar's aggregate classification.
Comment: also involved in OMIM 25117

Literature cited by the submitters: PubMed 15536479 (cited by Mayo Clinic Laboratories, Mayo Clinic and Ambry Genetics); PubMed 31278138 (cited by Mayo Clinic Laboratories, Mayo Clinic and Ambry Genetics).

NM_000431.4(MVK):c.1067C>T (p.Thr356Met)

Gene: MVK (mevalonate kinase; plus strand). Cytogenetic location: 12q24.11.
Variant type: single nucleotide variant.
Coding change: c.1067C>T on transcript NM_000431.4 (MANE Select); coding-DNA position 1067, C replaced by T.
Protein change: p.Thr356Met; replaces threonine 356 with methionine.
Molecular consequence: missense variant.
Genome position (GRCh38, 1-based): chr12:109,596,453, C>T. VCF-style: chr12-109596453-C-T. GRCh37 (hg19) VCF-style: chr12-110034258-C-T.
Other names: c.1067C>T, p.Thr356Met (NM_001114185.3); c.911C>T, p.Thr304Met (NM_001301182.2); short protein forms T356M, T304M.
Identifiers: ClinVar variation 97564 (VCV000097564.52), dbSNP rs104895342, ClinGen allele CA149774.